The following is an entry in ClinVar:

ClinVar aggregate classification (germline): Uncertain significance (1 of 4 stars; one submission).

Conditions:
Familial sleep-related hypermotor epilepsy. Also called: Autosomal Dominant Sleep-Related Hypermotor (Hyperkinetic) Epilepsy. Identifiers: Orphanet 98784, MedGen C3696898, MONDO:0000030.

Allele frequency attached by ClinVar (database versions not stated): gnomAD exomes below 0.00001.

Submission:

Labcorp Genetics (formerly Invitae), Labcorp
Classification: Uncertain significance. Last evaluated: 2022-01-12. Review status: criteria provided, single submitter. Criteria: Invitae Variant Classification Sherloc (09022015). Collection method: clinical testing. Allele origin: germline.
Comment: In summary, the available evidence is currently insufficient to determine the role of this variant in disease. Therefore, it has been classified as a Variant of Uncertain Significance. Advanced modeling of protein sequence and biophysical properties (such as structural, functional, and spatial information, amino acid conservation, physicochemical variation, residue mobility, and thermodynamic stability) performed at Invitae indicates that this missense variant is not expected to disrupt CHRNA2 protein function. ClinVar contains an entry for this variant (Variation ID: 947249). This variant has not been reported in the literature in individuals affected with CHRNA2-related conditions. This variant is present in population databases (no rsID available, gnomAD 0.0009%). This sequence change replaces glycine, which is neutral and non-polar, with aspartic acid, which is acidic and polar, at codon 472 of the CHRNA2 protein (p.Gly472Asp).

NM_000742.4(CHRNA2):c.1415G>A (p.Gly472Asp)

Gene: CHRNA2 (cholinergic receptor nicotinic alpha 2 subunit; minus strand). Cytogenetic location: 8p21.2.
Variant type: single nucleotide variant.
Coding change: c.1415G>A on transcript NM_000742.4 (MANE Select); coding-DNA position 1415, G replaced by A.
Protein change: p.Gly472Asp; replaces glycine 472 with aspartic acid.
Molecular consequence: missense variant.
Genome position (GRCh38, 1-based): chr8:27,463,028, C>T on the plus strand (G>A on the coding strand, the complement: CHRNA2 is on the minus strand). VCF-style: chr8-27463028-C-T. GRCh37 (hg19) VCF-style: chr8-27320545-C-T.
Other names: c.1370G>A, p.Gly457Asp (NM_001282455.2); c.938G>A, p.Gly313Asp (NM_001347705.2, NM_001347706.2); c.821G>A, p.Gly274Asp (NM_001347707.2, NM_001347708.2); short protein forms G313D, G457D, G274D, G472D.
Identifiers: ClinVar variation 947249 (VCV000947249.6), dbSNP rs1165713402, ClinGen allele CA370807881.